The following is an entry in ClinVar:

NM_006205.3(PDE6H):c.169G>A (p.Gly57Arg)

Gene: PDE6H (phosphodiesterase 6H; plus strand). Cytogenetic location: 12p12.3.
Variant type: single nucleotide variant.
Coding change: c.169G>A on transcript NM_006205.3 (MANE Select); coding-DNA position 169, G replaced by A.
Protein change: p.Gly57Arg; replaces glycine 57 with arginine.
Molecular consequence: missense variant.
Genome position (GRCh38, 1-based): chr12:14,979,213, G>A. VCF-style: chr12-14979213-G-A. GRCh37 (hg19) VCF-style: chr12-15132147-G-A.
Other names: short protein forms G57R.
Identifiers: ClinVar variation 3893328 (VCV003893328.1).

ClinVar aggregate classification (germline): Uncertain significance (1 of 4 stars; one submission).

Submission:

GeneDx
Classification: Uncertain significance. Last evaluated: 2024-10-23. Review status: criteria provided, single submitter. Criteria: GeneDx Variant Classification Process June 2021. Collection method: clinical testing. Allele origin: germline. Affected: yes.
Comment: Not observed at significant frequency in large population cohorts (gnomAD); In silico analysis supports that this missense variant has a deleterious effect on protein structure/function; Has not been previously published as pathogenic or benign to our knowledge